The following is an entry in ClinVar:

NM_005097.4(LGI1):c.688C>T (p.Gln230Ter)

Gene: LGI1 (leucine rich glioma inactivated 1; plus strand). Cytogenetic location: 10q23.33.
Variant type: single nucleotide variant.
Coding change: c.688C>T on transcript NM_005097.4 (MANE Select); coding-DNA position 688, C replaced by T.
Protein change: p.Gln230Ter; replaces glutamine 230 with a stop codon.
Molecular consequence: nonsense. On other transcripts: non-coding transcript variant (1).
Genome position (GRCh38, 1-based): chr10:93,793,200, C>T. VCF-style: chr10-93793200-C-T. GRCh37 (hg19) VCF-style: chr10-95552957-C-T.
Other names: c.688C>T, p.Gln230Ter (NM_001308275.2); c.544C>T, p.Gln182Ter (NM_001308276.2); short protein forms Q230*, Q182*.
Identifiers: ClinVar variation 408592 (VCV000408592.8), dbSNP rs1060502054, ClinGen allele CA16613191.

ClinVar aggregate classification (germline): Pathogenic (1 of 4 stars; one submission).

Conditions:
Autosomal dominant epilepsy with auditory features. Identifiers: Orphanet 101046, MedGen C1838062, MONDO:0010898.

Submission:

Labcorp Genetics (formerly Invitae), Labcorp
Classification: Pathogenic for Autosomal dominant epilepsy with auditory features. Last evaluated: 2022-10-18. Review status: criteria provided, single submitter. Criteria: Invitae Variant Classification Sherloc (09022015). Collection method: clinical testing. Allele origin: germline.
Comment: This variant is not present in population databases (gnomAD no frequency). For these reasons, this variant has been classified as Pathogenic. ClinVar contains an entry for this variant (Variation ID: 408592). This variant has not been reported in the literature in individuals affected with LGI1-related conditions. This sequence change creates a premature translational stop signal (p.Gln230*) in the LGI1 gene. It is expected to result in an absent or disrupted protein product. Loss-of-function variants in LGI1 are known to be pathogenic (PMID: 24206907).

Literature cited by the submitters: PubMed 24206907.